The following is an entry in ClinVar:

ClinVar aggregate classification (germline): Uncertain significance (1 of 4 stars; one submission).

Conditions:
Spermatogenic failure 18. Identifiers: MedGen C4539783, MONDO:0054615, OMIM 617576.
Ciliary dyskinesia, primary, 37 (CILD37). Also called: CILIARY DYSKINESIA, PRIMARY, 37, WITH OR WITHOUT SITUS INVERSUS. Identifiers: MedGen C4539798, MONDO:0033204, OMIM 617577.

gnomAD v4.1: 4 of 1,610,904 alleles (0.00025%); highest among the groups gnomAD compares: Non-Finnish European, 0.00034%; no homozygotes.

Submission:

Labcorp Genetics (formerly Invitae), Labcorp
Classification: Uncertain significance for Ciliary dyskinesia, primary, 37; Spermatogenic failure 18. Last evaluated: 2024-03-24. Review status: criteria provided, single submitter. Criteria: Invitae Variant Classification Sherloc (09022015). Collection method: clinical testing. Allele origin: germline.
Comment: This sequence change replaces threonine, which is neutral and polar, with alanine, which is neutral and non-polar, at codon 3646 of the DNAH1 protein (p.Thr3646Ala). This variant is present in population databases (rs764186404, gnomAD 0.002%). This variant has not been reported in the literature in individuals affected with DNAH1-related conditions. Advanced modeling of protein sequence and biophysical properties (such as structural, functional, and spatial information, amino acid conservation, physicochemical variation, residue mobility, and thermodynamic stability) performed at Invitae indicates that this missense variant is not expected to disrupt DNAH1 protein function with a negative predictive value of 80%. In summary, the available evidence is currently insufficient to determine the role of this variant in disease. Therefore, it has been classified as a Variant of Uncertain Significance.

NM_015512.5(DNAH1):c.10936A>G (p.Thr3646Ala)

Gene: DNAH1 (dynein axonemal heavy chain 1; plus strand). Cytogenetic location: 3p21.1.
Variant type: single nucleotide variant.
Coding change: c.10936A>G on transcript NM_015512.5 (MANE Select); coding-DNA position 10936, A replaced by G.
Protein change: p.Thr3646Ala; replaces threonine 3646 with alanine.
Molecular consequence: missense variant.
Genome position (GRCh38, 1-based): chr3:52,395,027, A>G. VCF-style: chr3-52395027-A-G. GRCh37 (hg19) VCF-style: chr3-52429043-A-G.
Other names: short protein forms T3646A.
Identifiers: ClinVar variation 3752654 (VCV003752654.2).